The following is an entry in ClinVar:

NM_006846.4(SPINK5):c.1605G>T (p.Val535=)

Gene: SPINK5 (serine peptidase inhibitor Kazal type 5; plus strand). Cytogenetic location: 5q32.
Variant type: single nucleotide variant.
Coding change: c.1605G>T on transcript NM_006846.4 (MANE Select); coding-DNA position 1605, G replaced by T.
Protein change: p.Val535=; no amino-acid change (valine 535 retained).
Molecular consequence: synonymous variant.
Genome position (GRCh38, 1-based): chr5:148,107,162, G>T. VCF-style: chr5-148107162-G-T. GRCh37 (hg19) VCF-style: chr5-147486725-G-T.
Other names: c.1605G>T, p.Val535= (NM_001127698.2, NM_001127699.2).
Identifiers: ClinVar variation 351525 (VCV000351525.48), dbSNP rs201831966, ClinGen allele CA3495665.

ClinVar aggregate classification (germline): Benign/Likely benign. Review status: criteria provided, multiple submitters, no conflicts (2 of 4 stars). 4 submissions from 4 submitters: Benign (1); Likely benign (3). Last evaluated 2026-01-22.

Conditions:
Ichthyosis linearis circumflexa. Identifiers: MedGen C0265962, MONDO:0043106, HP:0025810.
Netherton syndrome (NETH). Also called: NETHERTON DISEASE; ERYTHRODERMA, ICHTHYOSIFORM, WITH HYPOTRICHOSIS AND HYPER-IgE; COMEL-NETHERTON SYNDROME. Identifiers: Orphanet 634, MedGen C5574950, MONDO:0009735, OMIM 256500.

Allele frequency attached by ClinVar (database versions not stated): TOPMed 0.00248; gnomAD 0.00259 and 0.00247; 1000 Genomes Project 0.00319; 1000 Genomes Project 30x 0.00375; gnomAD exomes 0.00069; ExAC 0.00075; ESP Exome Variant Server 0.00176.
gnomAD v4.1: 905 of 1,611,752 alleles (0.056%); highest among the groups gnomAD compares: African/African-American, 0.84%; 2 homozygotes.

Submissions (4):

Labcorp Genetics (formerly Invitae), Labcorp
Classification: Benign for Ichthyosis linearis circumflexa. Last evaluated: 2026-01-22. Review status: criteria provided, single submitter. Criteria: Invitae Variant Classification Sherloc (09022015). Collection method: clinical testing. Allele origin: germline.

Blueprint Genetics
Classification: Likely benign. Last evaluated: 2024-11-26. Review status: criteria provided, single submitter. Criteria: ACMG Guidelines, 2015. Collection method: clinical testing. Allele origin: germline.

CeGaT Center for Human Genetics Tuebingen
Classification: Likely benign. Last evaluated: 2022-03-01. Review status: criteria provided, single submitter. Criteria: CeGaT Center For Human Genetics Tuebingen Variant Classification Criteria Version 2. Collection method: clinical testing. Allele origin: germline. Affected: yes. Observed: 3 variant alleles.
Comment: SPINK5: BP4, BP7

Illumina Laboratory Services, Illumina
Classification: Likely benign for Netherton syndrome. Last evaluated: 2018-01-12. Review status: criteria provided, single submitter. Criteria: ICSL Variant Classification Criteria 13 December 2019. Collection method: clinical testing. Allele origin: germline.
Comment: This variant was observed in the ICSL laboratory as part of a predisposition screen in an ostensibly healthy population. It had not been previously curated by ICSL or reported in the Human Gene Mutation Database (HGMD: prior to June 1st, 2018), and was therefore a candidate for classification through an automated scoring system. Utilizing variant allele frequency, disease prevalence and penetrance estimates, and inheritance mode, an automated score was calculated to assess if this variant is too frequent to cause the disease. Based on the score and internal cut-off values, a variant classified as likely benign is not then subjected to further curation. The score for this variant resulted in a classification of likely benign for this disease.